The following is an entry in ClinVar:

ClinVar aggregate classification (germline): Uncertain significance (1 of 4 stars; one submission).

Submission:

Labcorp Genetics (formerly Invitae), Labcorp
Classification: Uncertain significance. Last evaluated: 2025-02-25. Review status: criteria provided, single submitter. Criteria: Invitae Variant Classification Sherloc (09022015). Collection method: clinical testing. Allele origin: germline.
Comment: This sequence change replaces isoleucine, which is neutral and non-polar, with threonine, which is neutral and polar, at codon 828 of the IL6ST protein (p.Ile828Thr). This variant is not present in population databases (gnomAD no frequency). This variant has not been reported in the literature in individuals affected with IL6ST-related conditions. An algorithm developed to predict the effect of missense changes on protein structure and function (PolyPhen-2) suggests that this variant is likely to be tolerated. In summary, the available evidence is currently insufficient to determine the role of this variant in disease. Therefore, it has been classified as a Variant of Uncertain Significance.

NM_002184.4(IL6ST):c.2483T>C (p.Ile828Thr)

Gene: IL6ST (interleukin 6 cytokine family signal transducer; minus strand). Cytogenetic location: 5q11.2.
Variant type: single nucleotide variant.
Coding change: c.2483T>C on transcript NM_002184.4 (MANE Select); coding-DNA position 2483, T replaced by C.
Protein change: p.Ile828Thr; replaces isoleucine 828 with threonine.
Molecular consequence: missense variant. On other transcripts: 3 prime UTR variant (1), non-coding transcript variant (2).
Genome position (GRCh38, 1-based): chr5:55,941,356, A>G on the plus strand (T>C on the coding strand, the complement: IL6ST is on the minus strand). VCF-style: chr5-55941356-A-G. GRCh37 (hg19) VCF-style: chr5-55237184-A-G.
Other names: c.2273T>C, p.Ile758Thr (NM_001364276.2); c.1616T>C, p.Ile539Thr (NM_001364277.2); c.1580T>C, p.Ile527Thr (NM_001364278.2); c.1487T>C, p.Ile496Thr (NM_001364279.2); c.*1410T>C (NM_175767.3); c.2300T>C, p.Ile767Thr (NM_001190981.2); c.2381T>C, p.Ile794Thr (NM_001364275.2); short protein forms I527T, I767T, I758T, I794T, I496T, I539T, I828T.
Identifiers: ClinVar variation 4768553 (VCV004768553.1).